The following is an entry in ClinVar:

ClinVar aggregate classification (germline): Likely benign. Review status: criteria provided, multiple submitters, no conflicts (2 of 4 stars). 2 submissions from 2 submitters: Likely benign (2). Last evaluated 2026-07-27.

Conditions:
Hereditary sensory neuropathy-deafness-dementia syndrome. Also called: Hereditary sensory neuropathy type IE; Hereditary Sensory and Autonomic Neuropathy Type 1E (HSAN1E); NEUROPATHY, HEREDITARY SENSORY, WITH HEARING LOSS AND DEMENTIA; HSN IE. Identifiers: Orphanet 456318, MedGen C3279885, MONDO:0013584, OMIM 614116.
DNMT1-related disorder. Also called: DNMT1-related condition. Identifiers: MedGen CN381527.

Allele frequency attached by ClinVar (database versions not stated): ExAC 0.00001; gnomAD 0.00001; gnomAD exomes 0.00001 and 0.00002; TOPMed 0.00002.
gnomAD v4.1: 13 of 1,614,054 alleles (0.00081%); highest among the groups gnomAD compares: East Asian, 0.0067%; no homozygotes.

Submissions (2):

PreventionGenetics, part of Exact Sciences
Classification: Likely benign for DNMT1-related condition. Last evaluated: 2026-07-27. Review status: criteria provided, single submitter. Criteria: ACMG Guidelines, 2015. Collection method: clinical testing. Allele origin: germline.
Comment: This variant is classified as likely benign based on ACMG/AMP sequence variant interpretation guidelines (Richards et al. 2015 PMID: 25741868, with internal and published modifications).

Labcorp Genetics (formerly Invitae), Labcorp
Classification: Likely benign for Hereditary sensory neuropathy-deafness-dementia syndrome. Last evaluated: 2025-11-26. Review status: criteria provided, single submitter. Criteria: Invitae Variant Classification Sherloc (09022015). Collection method: clinical testing. Allele origin: germline.

NM_001130823.3(DNMT1):c.834G>A (p.Pro278=)

Gene: DNMT1 (DNA methyltransferase 1; minus strand). Cytogenetic location: 19p13.2.
Variant type: single nucleotide variant.
Coding change: c.834G>A on transcript NM_001130823.3 (MANE Select); coding-DNA position 834, G replaced by A.
Protein change: p.Pro278=; no amino-acid change (proline 278 retained).
Molecular consequence: synonymous variant.
Genome position (GRCh38, 1-based): chr19:10,166,655, C>T on the plus strand (G>A on the coding strand, the complement: DNMT1 is on the minus strand). VCF-style: chr19-10166655-C-T. GRCh37 (hg19) VCF-style: chr19-10277331-C-T.
Other names: c.834G>A (NM_001130823.2); c.786G>A, p.Pro262= (NM_001318730.2, NM_001379.4); c.471G>A, p.Pro157= (NM_001318731.2).
Identifiers: ClinVar variation 1655010 (VCV001655010.9), dbSNP rs748449856, ClinGen allele CA9188563.